The following is an entry in ClinVar:

NM_002518.4(NPAS2):c.1464G>A (p.Thr488=)

Gene: NPAS2 (neuronal PAS domain protein 2; plus strand). Cytogenetic location: 2q11.2.
Variant type: single nucleotide variant.
Coding change: c.1464G>A on transcript NM_002518.4 (MANE Select); coding-DNA position 1464, G replaced by A.
Protein change: p.Thr488=; no amino-acid change (threonine 488 retained).
Molecular consequence: synonymous variant.
Genome position (GRCh38, 1-based): chr2:100,977,781, G>A. VCF-style: chr2-100977781-G-A. GRCh37 (hg19) VCF-style: chr2-101594243-G-A.
Identifiers: ClinVar variation 3039487 (VCV003039487.2), dbSNP rs41280597, ClinGen allele CA1803829.
Genomic context (GRCh38, chr2:100,977,781, plus strand): 5'-TTCCCCATCGTCCTGCGACCTCACACAGCAGCTCCTGCCTCAGACCGTTCTGCAGAGCAC[G>A]CCCGCTCCCATGGCACAGGTGAGTCTGGGACCCAGGAAAGGGCAGCCCCTCTCAAGCCAG-3'
Protein context (NP_002509.2, residues 478-498): QLLPQTVLQS[Thr488=]PAPMAQFSAQ

ClinVar aggregate classification (germline): Likely benign (0 of 4 stars; one submission).

Conditions:
NPAS2-related disorder. Also called: NPAS2-related condition.

Allele frequency attached by ClinVar (database versions not stated): 1000 Genomes Project 0.00020; 1000 Genomes Project 30x 0.00031; ESP Exome Variant Server 0.00054; ExAC 0.00068; TOPMed 0.00068; gnomAD 0.00084; gnomAD exomes 0.00112.
gnomAD v4.1: 1,733 of 1,614,008 alleles (0.11%); highest among the groups gnomAD compares: Non-Finnish European, 0.14%; 2 homozygotes.

Submission:

PreventionGenetics, part of Exact Sciences
Classification: Likely benign for NPAS2-related condition. Last evaluated: 2019-07-16. Review status: no assertion criteria provided. Collection method: clinical testing. Allele origin: germline.
Comment: This variant is classified as likely benign based on ACMG/AMP sequence variant interpretation guidelines (Richards et al. 2015 PMID: 25741868, with internal and published modifications).